The following is an entry in ClinVar:

ClinVar aggregate classification (germline): Uncertain significance (1 of 4 stars; one submission).

Conditions:
Epileptic encephalopathy. Identifiers: MedGen C0543888, HP:0200134.

Submission:

Labcorp Genetics (formerly Invitae), Labcorp
Classification: Uncertain significance for Epileptic encephalopathy. Last evaluated: 2023-07-13. Review status: criteria provided, single submitter. Criteria: Invitae Variant Classification Sherloc (09022015). Collection method: clinical testing. Allele origin: germline.
Comment: In summary, the available evidence is currently insufficient to determine the role of this variant in disease. Therefore, it has been classified as a Variant of Uncertain Significance. Algorithms developed to predict the effect of sequence changes on RNA splicing suggest that this variant may create or strengthen a splice site. An algorithm developed to predict the effect of missense changes on protein structure and function (PolyPhen-2) suggests that this variant is likely to be disruptive. This variant has not been reported in the literature in individuals affected with FASN-related conditions. This variant is not present in population databases (gnomAD no frequency). This sequence change replaces arginine, which is basic and polar, with threonine, which is neutral and polar, at codon 1976 of the FASN protein (p.Arg1976Thr).

NM_004104.5(FASN):c.5927G>C (p.Arg1976Thr)

Gene: FASN (fatty acid synthase; minus strand). Cytogenetic location: 17q25.3.
Variant type: single nucleotide variant.
Coding change: c.5927G>C on transcript NM_004104.5 (MANE Select); coding-DNA position 5927, G replaced by C.
Protein change: p.Arg1976Thr; replaces arginine 1976 with threonine.
Molecular consequence: missense variant.
Genome position (GRCh38, 1-based): chr17:82,082,407, C>G on the plus strand (G>C on the coding strand, the complement: FASN is on the minus strand). VCF-style: chr17-82082407-C-G. GRCh37 (hg19) VCF-style: chr17-80040283-C-G.
Other names: short protein forms R1976T.
Identifiers: ClinVar variation 2742889 (VCV002742889.3), dbSNP rs45489599, ClinGen allele CA401534813.